The following is an entry in ClinVar:

NM_004168.4(SDHA):c.1076C>G (p.Pro359Arg)

Gene: SDHA (succinate dehydrogenase complex flavoprotein subunit A; plus strand). Cytogenetic location: 5p15.33.
Variant type: single nucleotide variant.
Coding change: c.1076C>G on transcript NM_004168.4 (MANE Select); coding-DNA position 1076, C replaced by G.
Protein change: p.Pro359Arg; replaces proline 359 with arginine.
Molecular consequence: missense variant.
Genome position (GRCh38, 1-based): chr5:235,155, C>G. VCF-style: chr5-235155-C-G. GRCh37 (hg19) VCF-style: chr5-235270-C-G.
Other names: c.932C>G, p.Pro311Arg (NM_001294332.2); c.1076C>G, p.Pro359Arg (NM_001330758.2); short protein forms P311R, P359R.
Identifiers: ClinVar variation 1784915 (VCV001784915.2), dbSNP rs2477362210, ClinGen allele CA359013401.

ClinVar aggregate classification (germline): Uncertain significance (1 of 4 stars; one submission).

Conditions:
Hereditary cancer-predisposing syndrome. Also called: Neoplastic Syndromes, Hereditary; Tumor predisposition; Hereditary Cancer Syndrome; Hereditary neoplastic syndrome. Identifiers: Orphanet 140162, MedGen C0027672, MeSH D009386, MONDO:0015356.

Submission:

Ambry Genetics
Classification: Uncertain significance for Hereditary cancer-predisposing syndrome. Last evaluated: 2022-09-28. Review status: criteria provided, single submitter. Criteria: Ambry Variant Classification Scheme 2023. Collection method: clinical testing. Allele origin: germline.
Comment: The p.P359R variant (also known as c.1076C>G), located in coding exon 9 of the SDHA gene, results from a C to G substitution at nucleotide position 1076. The proline at codon 359 is replaced by arginine, an amino acid with dissimilar properties. This amino acid position is conserved. In addition, the in silico prediction for this alteration is inconclusive. Since supporting evidence is limited at this time, the clinical significance of this alteration remains unclear.